The following is an entry in ClinVar:

ClinVar aggregate classification (germline): Conflicting classifications of pathogenicity. Review status: criteria provided, conflicting classifications (1 of 4 stars). 6 submissions from 6 submitters: Uncertain significance (3); Likely benign (2). 1 of the submissions does not count toward it. Last evaluated 2025-03-12.

Conditions:
Retinal dystrophy. Also called: Inherited retinal dystrophy. Identifiers: Orphanet 71862, MedGen C0854723, MeSH D058499, MONDO:0019118, HP:0000556.
Cardiovascular phenotype. Identifiers: MedGen CN230736.
Alstrom syndrome (ALMS). Identifiers: Orphanet 64, MedGen C0268425, MONDO:0008763, OMIM 203800.

Allele frequency attached by ClinVar (database versions not stated): gnomAD 0.00003 and 0.00004.
gnomAD v4.1: 64 of 1,614,140 alleles (0.004%); highest among the groups gnomAD compares: Middle Eastern, 0.016%; no homozygotes.

Submissions (6):

GeneDx
Classification: Uncertain significance. Last evaluated: 2025-03-12. Review status: criteria provided, single submitter. Criteria: GeneDx Variant Classification Process June 2021. Collection method: clinical testing. Allele origin: germline. Affected: yes.
Comment: Not observed at significant frequency in large population cohorts (gnomAD); In silico analysis indicates that this missense variant does not alter protein structure/function; Has not been previously published as pathogenic or benign to our knowledge

Blueprint Genetics
Classification: Likely benign. Last evaluated: 2024-11-26. Review status: criteria provided, single submitter. Criteria: ACMG Guidelines, 2015. Collection method: clinical testing. Allele origin: germline.

Ambry Genetics
Classification: Likely benign for Cardiovascular phenotype. Last evaluated: 2024-10-08. Review status: criteria provided, single submitter. Criteria: Ambry Variant Classification Scheme 2023. Collection method: clinical testing. Allele origin: germline.

Labcorp Genetics (formerly Invitae), Labcorp
Classification: Uncertain significance for Alstrom syndrome. Last evaluated: 2022-11-01. Review status: criteria provided, single submitter. Criteria: Invitae Variant Classification Sherloc (09022015). Collection method: clinical testing. Allele origin: germline.
Comment: This sequence change replaces arginine, which is basic and polar, with histidine, which is basic and polar, at codon 4093 of the ALMS1 protein (p.Arg4093His). This variant is present in population databases (rs748624161, gnomAD 0.006%). This variant has not been reported in the literature in individuals affected with ALMS1-related conditions. ClinVar contains an entry for this variant (Variation ID: 1311329). Experimental studies and prediction algorithms are not available or were not evaluated, and the functional significance of this variant is currently unknown. In summary, the available evidence is currently insufficient to determine the role of this variant in disease. Therefore, it has been classified as a Variant of Uncertain Significance.

Fulgent Genetics
Classification: Uncertain significance for Alstrom syndrome. Last evaluated: 2022-02-16. Review status: criteria provided, single submitter. Criteria: ACMG Guidelines, 2015. Collection method: clinical testing. Allele origin: unknown.

Institute of Human Genetics, Univ. Regensburg, Univ. Regensburg
Classification: Uncertain significance for Retinal dystrophy. Last evaluated: 2022-01-01. Review status: no assertion criteria provided. Criteria: ACMG Guidelines, 2015. Collection method: clinical testing. Allele origin: germline. Affected: yes. Not counted in ClinVar's aggregate classification.

NM_001378454.1(ALMS1):c.12275G>A (p.Arg4092His)

Genes: ALMS1 (ALMS1 centrosome and basal body associated protein; plus strand), LOC126806252 (BRD4-independent group 4 enhancer GRCh37_chr2:73828496-73829695; plus strand). Cytogenetic location: 2p13.1.
Variant type: single nucleotide variant.
Coding change: c.12275G>A on transcript NM_001378454.1 (MANE Select); coding-DNA position 12275, G replaced by A.
Protein change: p.Arg4092His; replaces arginine 4092 with histidine.
Molecular consequence: missense variant.
Genome position (GRCh38, 1-based): chr2:73,602,345, G>A. VCF-style: chr2-73602345-G-A. GRCh37 (hg19) VCF-style: chr2-73829472-G-A.
Other names: c.12278G>A, p.Arg4093His (NM_015120.4); short protein forms R4092H, R4093H.
Identifiers: ClinVar variation 1311329 (VCV001311329.13), dbSNP rs748624161, ClinGen allele CA1715500.